The following continues an entry in ClinVar:

NM_000059.4(BRCA2):c.3865_3868del (p.Lys1289fs)

Gene: BRCA2. ClinVar aggregate classification (germline): Pathogenic. Pathogenic (1).

Submissions 10 to 24 of 24:

National Health Laboratory Service, Universitas Academic Hospital and University of the Free State
Classification: Pathogenic for Hereditary breast ovarian cancer syndrome. Last evaluated: 2022-04-19. Review status: criteria provided, single submitter. Criteria: ACMG Guidelines, 2015. Collection method: clinical testing. Allele origin: germline. Affected: yes. Observed: 1 variant allele. Not counted in ClinVar's aggregate classification.

Sema4
Classification: Pathogenic for Hereditary cancer-predisposing syndrome. Last evaluated: 2022-01-25. Review status: criteria provided, single submitter. Criteria: Sema4 Curation Guidelines. Collection method: curation. Allele origin: germline. Not counted in ClinVar's aggregate classification.
Comment: The BRCA2 c.3865_3868delAAAT (p.K1289AfsX3) variant has been reported in heterozygosity in at least 5 individuals with breast or ovarian cancer (PMID: 33646313, 20104584, 28993434, 30875412, 30093976). It is also known as 4093delAAAT or 4093del4 in the literature. This variant causes a frameshift at amino acid 1289 that results in premature termination 3 amino acids downstream. At this location, this is predicted to cause nonsense-mediated decay and result in an absent protein (loss of function). Loss of function variants in BRCA1 or BRCA2 are known to be pathogenic (PMID: 29446198). This variant is not reported in the population database Genome Aggregation Database (PMID: 32461654). This variant has been reported in ClinVar (Variation ID: 37862). Based on the current evidence available, this variant is interpreted as pathogenic.

GeneDx
Classification: Pathogenic. Last evaluated: 2021-01-28. Review status: criteria provided, single submitter. Criteria: GeneDx Variant Classification (06012015). Collection method: clinical testing. Allele origin: germline. Affected: yes. Not counted in ClinVar's aggregate classification.
Comment: Frameshift variant predicted to result in protein truncation or nonsense mediated decay in a gene for which loss-of-function is a known mechanism of disease Not observed in large population cohorts (Lek 2016) Truncating variants in this gene are considered pathogenic by a well-established clinical consortium and/or database This variant is associated with the following publications: (PMID: 32832836, 30093976, 28993434, 24578176, 22762150, 24065114, 22729890, 20104584, 26187060, 24728189, 11102978, 11802209, 29446198, 32072338)

GeneKor MSA
Classification: Pathogenic for Hereditary breast and ovarian cancer syndrome. Last evaluated: 2020-01-01. Review status: criteria provided, single submitter. Criteria: ACMG Guidelines, 2015. Collection method: clinical testing. Allele origin: germline. Affected: yes. Not counted in ClinVar's aggregate classification.
Comment: This is a deletion of four base pairs causing a frameshift at codon 1289. This creates a novel stop codon 3 amino acid residues later and is expected to result in a truncated, non-functional protein. Truncating variants in BRCA2 are known to be pathogenic. This variant is also known as 4093delAAAT or 4093del4 in the literature and it has been reported in patients with familiar breast/ovarian cancer (PMID: 11102978, 22729890, 20104584). The mutation database ClinVar contains entries for this variant (Variation ID: 37862).

Cancer Genetics and Genomics Laboratory, British Columbia Cancer Agency
Classification: Pathogenic for Hereditary breast ovarian cancer syndrome. Last evaluated: 2017-04-18. Review status: criteria provided, single submitter. Criteria: ACMG Guidelines, 2015. Collection method: clinical testing. Allele origin: germline. Study: The Canadian Open Genetics Repository (COGR). Not counted in ClinVar's aggregate classification.

Women's Health and Genetics/Laboratory Corporation of America, LabCorp
Classification: Pathogenic for Hereditary breast ovarian cancer syndrome. Last evaluated: 2016-09-06. Review status: criteria provided, single submitter. Criteria: LabCorp Variant Classification Summary - May 2015. Collection method: clinical testing. Allele origin: germline. Not counted in ClinVar's aggregate classification.
Comment: Variant summary: The c.3865_3868delAAAT (p.Lys1289Alafs) variant in the BRCA2 gene is a frameshift change predicted to cause a loss of normal protein function through either protein truncation or nonsense-mediated mRNA decay, which is a known disease mechanism in HBOC. The variant has been reported in multiple affected individuals and is absent from the large control population dataset of EXAC. The results of the functional study have shown that patient-derived lymphocytes carrying this variant exhibit increased chromosomal radiosensitivity in metaphase-based radiation assay, confirming deleterious outcome for this variant (Becker_2012). Lastly, multiple reputable databases/diagnostic centers classified the variant of interest as Pathogenic. Taken together, the variant was classified as Pathogenic.

Consortium of Investigators of Modifiers of BRCA1/2 (CIMBA), c/o University of Cambridge
Classification: Pathogenic for Breast-ovarian cancer, familial, susceptibility to, 2. Last evaluated: 2015-10-02. Review status: criteria provided, single submitter. Criteria: CIMBA Mutation Classification guidelines May 2016. Collection method: clinical testing. Allele origin: germline. Not counted in ClinVar's aggregate classification.

Clinical Genetics DNA and cytogenetics Diagnostics Lab, Erasmus MC, Erasmus Medical Center
Classification: Pathogenic for Breast-ovarian cancer, familial, susceptibility to, 2. Last evaluated: 2015-09-21. Review status: criteria provided, single submitter. Criteria: ACGS Guidelines, 2013. Collection method: clinical testing. Allele origin: germline. Affected: yes. Study: VKGL Data-share Consensus. Not counted in ClinVar's aggregate classification.

Eurofins Ntd Llc (ga)
Classification: Pathogenic. Last evaluated: 2014-09-26. Review status: criteria provided, single submitter. Criteria: EGL Classification Definitions 2015. Collection method: clinical testing. Allele origin: germline. Not counted in ClinVar's aggregate classification.

Genesis Genomics
Classification: Pathogenic for Breast-ovarian cancer, familial, susceptibility to, 2. Review status: criteria provided, single submitter. Criteria: ACMG Guidelines, 2015. Collection method: clinical testing. Allele origin: germline. Affected: yes. Observed: 1 variant allele. Not counted in ClinVar's aggregate classification.

Juno Genomics, Hangzhou Juno Genomics, Inc
Classification: Pathogenic for Familial cancer of breast; Breast-ovarian cancer, familial, susceptibility to, 2; Glioma susceptibility 3; Medulloblastoma; Pancreatic cancer, susceptibility to, 2; Familial prostate cancer; Fanconi anemia complementation group D1; Wilms tumor 1. Review status: criteria provided, single submitter. Criteria: ACMG Guidelines, 2015. Collection method: clinical testing. Allele origin: germline. Not counted in ClinVar's aggregate classification.
Comment: Null variant in a gene where loss of function (LOF) is a known mechanism of disease.;Novel missense change at an amino acid residue where a different missense change determined to be pathogenic has been seen before.

Sharing Clinical Reports Project (SCRP)
Classification: Pathogenic for Breast-ovarian cancer, familial 2. Last evaluated: 2008-03-27. Review status: no assertion criteria provided. Collection method: clinical testing. Allele origin: germline. Not counted in ClinVar's aggregate classification.

Breast Cancer Information Core (BIC) (BRCA2)
Classification: Pathogenic for Breast-ovarian cancer, familial 2. Last evaluated: 2003-12-23. Review status: no assertion criteria provided. Collection method: clinical testing. Allele origin: germline. Affected: yes. Observed: 2 variant alleles. Not counted in ClinVar's aggregate classification.

Center for Precision Medicine, Meizhou People's Hospital
Classification: Pathogenic for Familial cancer of breast. Review status: no assertion criteria provided. Collection method: literature only. Allele origin: germline. Affected: yes. Not counted in ClinVar's aggregate classification.

Diagnostic Laboratory, Department of Genetics, University Medical Center Groningen
Classification: Pathogenic for Breast-ovarian cancer, familial, susceptibility to, 2. Review status: no assertion criteria provided. Collection method: clinical testing. Allele origin: germline. Affected: yes. Study: VKGL Data-share Consensus. Not counted in ClinVar's aggregate classification.

Literature cited by the submitters: PubMed 20104584 (cited by 7 submitters); PubMed 11102978 (cited by 4 submitters); PubMed 22729890 (cited by 5 submitters); PubMed 24728189 (cited by 4 submitters); PubMed 28993434 (cited by 3 submitters); PubMed 29797126 (cited by Color Diagnostics, LLC DBA Color Health and Quest Diagnostics Nichols Institute San Juan Capistrano); PubMed 33471991 (cited by Color Diagnostics, LLC DBA Color Health); PubMed 12402332 (cited by Ambry Genetics); PubMed 24578176 (cited by Ambry Genetics and Quest Diagnostics Nichols Institute San Juan Capistrano); PubMed 29446198 (cited by Ambry Genetics and Sema4); PubMed 30093976 (cited by Ambry Genetics and Sema4); PubMed 32072338 (cited by Ambry Genetics); PubMed 32832836 (cited by Ambry Genetics); PubMed 33646313 (cited by Quest Diagnostics Nichols Institute San Juan Capistrano and Sema4); PubMed 30875412 (cited by Quest Diagnostics Nichols Institute San Juan Capistrano and Sema4); PubMed 38355628 (cited by Quest Diagnostics Nichols Institute San Juan Capistrano); PubMed 11802209 (cited by Quest Diagnostics Nichols Institute San Juan Capistrano and Women's Health and Genetics/Laboratory Corporation of America, LabCorp); PubMed 26295337 (cited by Quest Diagnostics Nichols Institute San Juan Capistrano).